The following is an entry in ClinVar:

NM_000218.3(KCNQ1):c.1514+28271C>T

Genes: KCNQ1 (potassium voltage-gated channel subfamily Q member 1; plus strand), KCNQ1OT1 (KCNQ1 opposite strand/antisense transcript 1; minus strand). Cytogenetic location: 11p15.5.
Variant type: single nucleotide variant.
Coding change: c.1514+28271C>T on transcript NM_000218.3 (MANE Select); 28271 bases into the intron after coding-DNA position 1514, C replaced by T.
Molecular consequence: intron variant.
Genome position (GRCh38, 1-based): chr11:2,690,352, C>T. VCF-style: chr11-2690352-C-T. GRCh37 (hg19) VCF-style: chr11-2711582-C-T.
Other names: c.1244+28271C>T (NM_001406837.1); c.1418+28271C>T (NM_001406836.1); c.974+28271C>T (NM_001406838.1); c.1133+28271C>T (NM_181798.2).
Identifiers: ClinVar variation 2498498 (VCV002498498.28), dbSNP rs142732695, ClinGen allele CA216191962.
Genomic context (GRCh38, chr11:2,690,352, plus strand): 5'-CTCCCTGTAGGATTGTCACAAGGATTAAATGATGTCAAGTCTGAGGCTGCCCTGCAGCTG[C>T]TGTTTCCACTACTTGGCATGGAACATGTGCCAGACCAAAAGAGCTATCTCTCTCCCTGCG-3'

ClinVar aggregate classification (germline): Likely benign (1 of 4 stars; one submission).

Allele frequency attached by ClinVar (database versions not stated): 1000 Genomes Project 0.00020; TOPMed 0.00188; gnomAD 0.00213; 1000 Genomes Project 30x 0.00016; gnomAD exomes 0.00325.
gnomAD v4.1: 1,111 of 398,706 alleles (0.28%); highest among the groups gnomAD compares: Non-Finnish European, 0.39%; 3 homozygotes.

Submission:

CeGaT Center for Human Genetics Tuebingen
Classification: Likely benign. Last evaluated: 2026-08-01. Review status: criteria provided, single submitter. Criteria: CeGaT Center For Human Genetics Tuebingen Variant Classification Criteria Version 2. Collection method: clinical testing. Allele origin: germline. Affected: yes. Observed: 29 variant alleles.
Comment: KCNQ1OT1: BS2